The following is an entry in ClinVar:

NM_012281.3(KCND2):c.685_686delinsGC (p.Phe229Ala)

Gene: KCND2 (potassium voltage-gated channel subfamily D member 2; plus strand). Cytogenetic location: 7q31.31.
Variant type: Indel.
Coding change: c.685_686delinsGC on transcript NM_012281.3 (MANE Select); coding-DNA positions 685 to 686, TT replaced by GC.
Protein change: p.Phe229Ala; replaces phenylalanine 229 with alanine.
Molecular consequence: missense variant.
Genome position (GRCh38, 1-based): chr7:120,275,317-120,275,318, TT replaced by GC. VCF-style: chr7-120275317-TT-GC. GRCh37 (hg19) VCF-style: chr7-119915371-TT-GC.
Other names: short protein forms F229A.
Identifiers: ClinVar variation 2443516 (VCV002443516.1), dbSNP rs2546907452, ClinGen allele CA2580076391.
Genomic context (GRCh38, chr7:120,275,317, plus strand): 5'-TGCGGATCAAGCCCAGGTCACATTAAAGAACTGCCCTGTGGAGAGCGGTATGCTGTGGCC[TT>GC]CTTCTGCTTGGACACGGCCTGCGTCATGATCTTCACAGTTGAGTATTTGCTTCGCCTGGC-3'
Protein context (NP_036413.1, residues 219-239): LPCGERYAVA[Phe229Ala]FCLDTACVMI

ClinVar aggregate classification (germline): Uncertain significance (1 of 4 stars; one submission).

Submission:

GeneDx
Classification: Uncertain significance. Last evaluated: 2022-09-13. Review status: criteria provided, single submitter. Criteria: GeneDx Variant Classification Process June 2021. Collection method: clinical testing. Allele origin: germline. Affected: yes.
Comment: Not observed at significant frequency in large population cohorts (gnomAD); In silico analysis supports a deleterious effect on protein structure/function; Has not been previously published as pathogenic or benign to our knowledge